The following is an entry in ClinVar:

ClinVar aggregate classification (germline): Pathogenic (1 of 4 stars; one submission).

Submission:

GeneDx
Classification: Pathogenic. Last evaluated: 2024-04-15. Review status: criteria provided, single submitter. Criteria: GeneDx Variant Classification Process June 2021. Collection method: clinical testing. Allele origin: germline. Affected: yes.
Comment: Frameshift variant predicted to result in protein truncation or nonsense mediated decay in a gene for which loss of function is a known mechanism of disease; Not observed at significant frequency in large population cohorts (gnomAD); Has not been previously published as pathogenic or benign to our knowledge

NM_153252.4(BRWD3):c.593del

Gene: BRWD3 (bromodomain and WD repeat domain containing 3; minus strand). Cytogenetic location: Xq21.1.
Variant type: Deletion.
Coding change: c.593del on transcript NM_153252.4; coding-DNA position 593, one base deleted (G; older notation c.593delG).
Genome position (GRCh38, 1-based): chrX:80,744,252, C deleted on the plus strand (G on the coding strand, the reverse complement: BRWD3 is on the minus strand); the first of 3 consecutive C bases (chrX:80,744,252-80,744,254); deleting any one gives the same sequence. VCF-style (leftmost placement, unchanged base first): chrX-80744251-AC-A. GRCh37 (hg19) VCF-style: chrX-79999750-AC-A.
Identifiers: ClinVar variation 3372637 (VCV003372637.1).